The following is an entry in ClinVar:

NM_014855.3(AP5Z1):c.195C>G (p.Cys65Trp)

Gene: AP5Z1 (adaptor related protein complex 5 subunit zeta 1; plus strand). Cytogenetic location: 7p22.1.
Variant type: single nucleotide variant.
Coding change: c.195C>G on transcript NM_014855.3 (MANE Select); coding-DNA position 195, C replaced by G.
Protein change: p.Cys65Trp; replaces cysteine 65 with tryptophan.
Molecular consequence: missense variant. On other transcripts: non-coding transcript variant (1), intron variant (1).
Genome position (GRCh38, 1-based): chr7:4,781,583, C>G. VCF-style: chr7-4781583-C-G. GRCh37 (hg19) VCF-style: chr7-4821214-C-G.
Other names: c.-103+271C>G (NM_001364858.1); short protein forms C65W.
Identifiers: ClinVar variation 1362956 (VCV001362956.3), dbSNP rs376335137, ClinGen allele CA366674122.
Genomic context (GRCh38, chr7:4,781,583, plus strand): 5'-CGGTCGTGACGTGTTACCGCCCACCACGGGCATCTCGCCTTCCAGGCTGGAGAAGACATG[C>G]GTAGACCTGCTGCAGGCCACCCTCGGCCTGCCTGCATGCCCCGAGCAGCTCCAGGTGCTT-3'
Protein context (NP_055670.1, residues 55-75): TKYSRRLEKT[Cys65Trp]VDLLQATLGL

ClinVar aggregate classification (germline): Uncertain significance (1 of 4 stars; one submission).

Conditions:
Hereditary spastic paraplegia 48. Also called: SPASTIC PARAPLEGIA 48, AUTOSOMAL RECESSIVE; Spastic paraplegia 48. Identifiers: Orphanet 306511, MedGen C3150901, MONDO:0013342, OMIM 613647.

Submission:

Labcorp Genetics (formerly Invitae), Labcorp
Classification: Uncertain significance for Hereditary spastic paraplegia 48. Last evaluated: 2021-10-05. Review status: criteria provided, single submitter. Criteria: Invitae Variant Classification Sherloc (09022015). Collection method: clinical testing. Allele origin: germline.
Comment: This sequence change replaces cysteine with tryptophan at codon 65 of the AP5Z1 protein (p.Cys65Trp). The cysteine residue is moderately conserved and there is a large physicochemical difference between cysteine and tryptophan. This variant is not present in population databases (ExAC no frequency). This variant has not been reported in the literature in individuals affected with AP5Z1-related conditions. Algorithms developed to predict the effect of missense changes on protein structure and function are either unavailable or do not agree on the potential impact of this missense change (SIFT: "Deleterious"; PolyPhen-2: "Probably Damaging"; Align-GVGD: "Class C0"). In summary, the available evidence is currently insufficient to determine the role of this variant in disease. Therefore, it has been classified as a Variant of Uncertain Significance.